The following is an entry in ClinVar:

NM_006005.3(WFS1):c.1190T>G (p.Phe397Cys)

Gene: WFS1 (wolframin ER transmembrane glycoprotein; plus strand). Cytogenetic location: 4p16.1.
Variant type: single nucleotide variant.
Coding change: c.1190T>G on transcript NM_006005.3 (MANE Select); coding-DNA position 1190, T replaced by G.
Protein change: p.Phe397Cys; replaces phenylalanine 397 with cysteine.
Molecular consequence: missense variant.
Genome position (GRCh38, 1-based): chr4:6,300,985, T>G. VCF-style: chr4-6300985-T-G. GRCh37 (hg19) VCF-style: chr4-6302712-T-G.
Other names: c.1190T>G, p.Phe397Cys (NM_001145853.1); short protein forms F397C.
Identifiers: ClinVar variation 1960347 (VCV001960347.6), dbSNP rs1162093002, ClinGen allele CA356174429.

ClinVar aggregate classification (germline): Uncertain significance. Review status: criteria provided, multiple submitters, no conflicts (2 of 4 stars). 2 submissions from 2 submitters: Uncertain significance (2). Last evaluated 2026-01-17.

Conditions:
Cataract 41 (CTRCT41). Also called: CATARACT 41, CONGENITAL NUCLEAR TYPE. Identifiers: Orphanet 91492, Orphanet 98991, Orphanet 98992, Orphanet 98995, MedGen C3805412, MONDO:0007287, OMIM 116400.
Autosomal dominant nonsyndromic hearing loss 6 (LFSNHL). Also called: DEAFNESS, AUTOSOMAL DOMINANT 6; Autosomal dominant nonsyndromic deafness 6; DEAFNESS, AUTOSOMAL DOMINANT 14; DEAFNESS, AUTOSOMAL DOMINANT 38. Identifiers: Orphanet 90635, MedGen C1833021, MONDO:0010963, OMIM 600965.
Wolfram-like syndrome. Also called: HEARING LOSS, PROGRESSIVE, WITH OPTIC ATROPHY AND/OR IMPAIRED GLUCOSE REGULATION. Identifiers: Orphanet 411590, MedGen C3280358, MONDO:0013673, OMIM 614296.
Type 2 diabetes mellitus. Also called: Type II diabetes mellitus. Identifiers: MedGen C0011860, MeSH D003924, MONDO:0005148, OMIM 125853, HP:0005978.
Wolfram syndrome 1 (WFS1). Identifiers: Orphanet 3463, MedGen C4551693, MONDO:0009101, OMIM 222300.

Allele frequency attached by ClinVar (database versions not stated): gnomAD exomes below 0.00001; gnomAD 0.00001; TOPMed 0.00003.
gnomAD v4.1: 2 of 1,613,808 alleles (0.00012%); highest among the groups gnomAD compares: African/African-American, 0.0013%; no homozygotes.

Submissions (2):

Labcorp Genetics (formerly Invitae), Labcorp
Classification: Uncertain significance. Last evaluated: 2026-01-17. Review status: criteria provided, single submitter. Criteria: Invitae Variant Classification Sherloc (09022015). Collection method: clinical testing. Allele origin: germline.
Comment: This sequence change replaces phenylalanine, which is neutral and non-polar, with cysteine, which is neutral and slightly polar, at codon 397 of the WFS1 protein (p.Phe397Cys). This variant is not present in population databases (gnomAD no frequency). This variant has not been reported in the literature in individuals affected with WFS1-related conditions. ClinVar contains an entry for this variant (Variation ID: 1960347). Invitae Evidence Modeling of protein sequence and biophysical properties (such as structural, functional, and spatial information, amino acid conservation, physicochemical variation, residue mobility, and thermodynamic stability) indicates that this missense variant is expected to disrupt WFS1 protein function with a positive predictive value of 95%. In summary, the available evidence is currently insufficient to determine the role of this variant in disease. Therefore, it has been classified as a Variant of Uncertain Significance.

Fulgent Genetics
Classification: Uncertain significance for Cataract 41; Type 2 diabetes mellitus; Wolfram syndrome 1; Autosomal dominant nonsyndromic hearing loss 6; Wolfram-like syndrome. Last evaluated: 2024-03-07. Review status: criteria provided, single submitter. Criteria: ACMG Guidelines, 2015. Collection method: clinical testing. Allele origin: germline.